The following is an entry in ClinVar:

ClinVar aggregate classification (germline): Uncertain significance (1 of 4 stars; one submission).

gnomAD v4.1: 7 of 1,613,914 alleles (0.00043%); highest among the groups gnomAD compares: East Asian, 0.016%; no homozygotes.

Submission:

Labcorp Genetics (formerly Invitae), Labcorp
Classification: Uncertain significance. Last evaluated: 2024-12-10. Review status: criteria provided, single submitter. Criteria: Invitae Variant Classification Sherloc (09022015). Collection method: clinical testing. Allele origin: germline.
Comment: This sequence change replaces glutamine, which is neutral and polar, with histidine, which is basic and polar, at codon 122 of the MAP3K8 protein (p.Gln122His). This variant is not present in population databases (gnomAD no frequency). This variant has not been reported in the literature in individuals affected with MAP3K8-related conditions. An algorithm developed to predict the effect of missense changes on protein structure and function (PolyPhen-2) suggests that this variant is likely to be disruptive. In summary, the available evidence is currently insufficient to determine the role of this variant in disease. Therefore, it has been classified as a Variant of Uncertain Significance.

NM_005204.4(MAP3K8):c.366A>T (p.Gln122His)

Gene: MAP3K8 (mitogen-activated protein kinase kinase kinase 8; plus strand). Cytogenetic location: 10p11.23.
Variant type: single nucleotide variant.
Coding change: c.366A>T on transcript NM_005204.4 (MANE Select); coding-DNA position 366, A replaced by T.
Protein change: p.Gln122His; replaces glutamine 122 with histidine.
Molecular consequence: missense variant.
Genome position (GRCh38, 1-based): chr10:30,447,811, A>T. VCF-style: chr10-30447811-A-T. GRCh37 (hg19) VCF-style: chr10-30736740-A-T.
Other names: c.366A>T, p.Gln122His (NM_001244134.1, NM_001320961.2); short protein forms Q122H.
Identifiers: ClinVar variation 3726978 (VCV003726978.2).